The following is an entry in ClinVar:

ClinVar aggregate classification (germline): Likely pathogenic. Review status: criteria provided, multiple submitters, no conflicts (2 of 4 stars). 4 submissions from 4 submitters: Likely pathogenic (4). Last evaluated 2025-11-12.

Conditions:
PMM2-congenital disorder of glycosylation. Also called: CARBOHYDRATE-DEFICIENT GLYCOPROTEIN SYNDROME, TYPE Ia; PHOSPHOMANNOMUTASE 2 DEFICIENCY; CDG Ia; JAEKEN SYNDROME; Congenital disorder of glycosylation, type Ia; PMM2-CDG. Identifiers: Orphanet 79318, MedGen C0349653, MONDO:0008907, OMIM 212065.

Allele frequency attached by ClinVar (database versions not stated): gnomAD exomes below 0.00001; TOPMed 0.00001; gnomAD 0.00002.
gnomAD v4.1: 10 of 1,568,726 alleles (0.00064%); highest among the groups gnomAD compares: Middle Eastern, 0.017%; no homozygotes.

Submissions (4):

Natera, Inc.
Classification: Likely pathogenic for Congenital disorder of glycosylation type 1a. Last evaluated: 2025-11-12. Review status: criteria provided, single submitter. Criteria: Natera Variant Classification Schema (03/2026). Collection method: clinical testing. Allele origin: germline.
Comment: The c.178+1G>A variant in PMM2 is a canonical splice donor site variant predicted to affect pre-mRNA splicing, which may result in an abnormal transcript and altered protein product. This variant is expected to result in nonsense mediated decay, truncation, or a dysfunctional protein product. This variant is rare in the general population with a frequency below the threshold expected for the associated phenotype(s). Given the available evidence, this variant is classified as Likely Pathogenic.

Labcorp Genetics (formerly Invitae), Labcorp
Classification: Likely pathogenic for PMM2-congenital disorder of glycosylation. Last evaluated: 2024-09-10. Review status: criteria provided, single submitter. Criteria: Invitae Variant Classification Sherloc (09022015). Collection method: clinical testing. Allele origin: germline.
Comment: This sequence change affects a donor splice site in intron 2 of the PMM2 gene. It is expected to disrupt RNA splicing. Variants that disrupt the donor or acceptor splice site typically lead to a loss of protein function (PMID: 16199547), and loss-of-function variants in PMM2 are known to be pathogenic (PMID: 19862844). The frequency data for this variant in the population databases is considered unreliable, as metrics indicate poor data quality at this position in the gnomAD database. This variant has not been reported in the literature in individuals affected with PMM2-related conditions. ClinVar contains an entry for this variant (Variation ID: 929132). Algorithms developed to predict the effect of sequence changes on RNA splicing suggest that this variant may disrupt the consensus splice site. In summary, the currently available evidence indicates that the variant is pathogenic, but additional data are needed to prove that conclusively. Therefore, this variant has been classified as Likely Pathogenic.

Fulgent Genetics
Classification: Likely pathogenic for PMM2-congenital disorder of glycosylation. Last evaluated: 2024-02-21. Review status: criteria provided, single submitter. Criteria: ACMG Guidelines, 2015. Collection method: clinical testing. Allele origin: germline.

Women's Health and Genetics/Laboratory Corporation of America, LabCorp
Classification: Likely pathogenic for Congenital disorder of glycosylation, type Ia. Last evaluated: 2019-01-08. Review status: criteria provided, single submitter. Criteria: LabCorp Variant Classification Summary - May 2015. Collection method: clinical testing. Allele origin: germline.
Comment: Variant summary: PMM2 c.178+1G>A is located in a canonical splice-site and is predicted to affect mRNA splicing resulting in a significantly altered protein due to either exon skipping, shortening, or inclusion of intronic material. Several computational tools predict a significant impact on normal splicing: Five predict the variant abolishes a 5 splicing donor site. However, these predictions have yet to be confirmed by functional studies. The variant allele was found at a frequency of 3.2e-05 in 30966 control chromosomes (gnomAD). To our knowledge, no occurrence of c.178+1G>A in individuals affected with Congenital Disorder of Glycosylation Type 1a and no experimental evidence demonstrating its impact on protein function have been reported. No clinical diagnostic laboratories have submitted clinical-significance assessments for this variant to ClinVar after 2014. Based on the evidence outlined above, the variant was classified as likely pathogenic.

Literature cited by the submitters: PubMed 16199547 (cited by Labcorp Genetics (formerly Invitae), Labcorp); PubMed 19862844 (cited by Labcorp Genetics (formerly Invitae), Labcorp).

NM_000303.3(PMM2):c.178+1G>A

Gene: PMM2 (phosphomannomutase 2; plus strand). Cytogenetic location: 16p13.2.
Variant type: single nucleotide variant.
Coding change: c.178+1G>A on transcript NM_000303.3 (MANE Select); the canonical splice donor site of the intron after coding-DNA position 178, G replaced by A.
Molecular consequence: splice donor variant.
Genome position (GRCh38, 1-based): chr16:8,801,911, G>A. VCF-style: chr16-8801911-G-A. GRCh37 (hg19) VCF-style: chr16-8895768-G-A.
Identifiers: ClinVar variation 929132 (VCV000929132.17), dbSNP rs935962174, ClinGen allele CA277486953.